The following is an entry in ClinVar:

NM_173348.2(FAM149B1):c.279T>A (p.Tyr93Ter)

Gene: FAM149B1 (family with sequence similarity 149 member B1; plus strand). Cytogenetic location: 10q22.2.
Variant type: single nucleotide variant.
Coding change: c.279T>A on transcript NM_173348.2 (MANE Select); coding-DNA position 279, T replaced by A.
Protein change: p.Tyr93Ter; replaces tyrosine 93 with a stop codon.
Molecular consequence: nonsense.
Genome position (GRCh38, 1-based): chr10:73,177,972, T>A. VCF-style: chr10-73177972-T-A. GRCh37 (hg19) VCF-style: chr10-74937730-T-A.
Other names: short protein forms Y93*.
Identifiers: ClinVar variation 4291084 (VCV004291084.1).

ClinVar aggregate classification (germline): Likely pathogenic (1 of 4 stars; one submission).

Conditions:
Joubert syndrome 36 (JBTS36). Identifiers: MedGen C5231493, MONDO:0032902, OMIM 618763.

Submission:

Department of Medical Genetics, International Peace Maternity and Child Health Hospital, Shanghai Jiao Tong University School of Medicine
Classification: Likely pathogenic for Joubert syndrome 36. Last evaluated: 2025-09-08. Review status: criteria provided, single submitter. Criteria: ACMG Guidelines, 2015. Collection method: clinical testing. Allele origin: paternal. Affected: yes. Observed: 1 variant allele.
Comment: Both variants were previously unreported, and were not included in any public database. Therefore, the p.Tyr93* nonsense variant was classified as likely pathogenic (PVS1+ PM2_supporting), while the p.Ser192Phefs*7 frameshift variant was classified as pathogenic (PVS1+ PM2_supporting+ PM3).